The following is an entry in ClinVar:

ClinVar aggregate classification (germline): Pathogenic (1 of 4 stars; one submission).

Conditions:
Mendelian susceptibility to mycobacterial diseases due to partial STAT1 deficiency. Also called: IMMUNODEFICIENCY 31A, MYCOBACTERIOSIS, AUTOSOMAL DOMINANT; STAT1 DEFICIENCY, AUTOSOMAL DOMINANT; Immunodeficiency 31a. Identifiers: Orphanet 319595, MedGen C4013950, MONDO:0013956, OMIM 614892.
Immunodeficiency 31B. Also called: STAT1 DEFICIENCY, AUTOSOMAL RECESSIVE; IMMUNODEFICIENCY 31B, MYCOBACTERIAL AND VIRAL INFECTIONS, AUTOSOMAL RECESSIVE. Identifiers: Orphanet 391311, MedGen C3151088, MONDO:0013427, OMIM 613796.
Autoimmune enteropathy and endocrinopathy - susceptibility to chronic infections syndrome. Also called: Immunodeficiency 31C, autosomal dominant; Immunodeficiency 31C. Identifiers: Orphanet 391487, MedGen C3279990, MONDO:0013599, OMIM 614162.

Submission:

Labcorp Genetics (formerly Invitae), Labcorp
Classification: Pathogenic for Mendelian susceptibility to mycobacterial diseases due to partial STAT1 deficiency; Immunodeficiency 31B; Autoimmune enteropathy and endocrinopathy - susceptibility to chronic infections syndrome. Last evaluated: 2024-02-24. Review status: criteria provided, single submitter. Criteria: Invitae Variant Classification Sherloc (09022015). Collection method: clinical testing. Allele origin: germline.
Comment: This sequence change replaces tyrosine, which is neutral and polar, with cysteine, which is neutral and slightly polar, at codon 289 of the STAT1 protein (p.Tyr289Cys). This variant is not present in population databases (gnomAD no frequency). This missense change has been observed in individual(s) with chronic mucocutaneous candidiasis (PMID: 27114460, 29111217; Invitae). In at least one individual the variant was observed to be de novo. ClinVar contains an entry for this variant (Variation ID: 541825). An algorithm developed to predict the effect of missense changes on protein structure and function (PolyPhen-2) suggests that this variant is likely to be disruptive. Experimental studies have shown that this missense change affects STAT1 function (PMID: 27114460, 29111217). For these reasons, this variant has been classified as Pathogenic.

Literature cited by the submitters: PubMed 27114460; PubMed 29111217.

NM_007315.4(STAT1):c.866A>G (p.Tyr289Cys)

Gene: STAT1 (signal transducer and activator of transcription 1; minus strand). Cytogenetic location: 2q32.2.
Variant type: single nucleotide variant.
Coding change: c.866A>G on transcript NM_007315.4 (MANE Select); coding-DNA position 866, A replaced by G.
Protein change: p.Tyr289Cys; replaces tyrosine 289 with cysteine.
Molecular consequence: missense variant. On other transcripts: intron variant (1).
Genome position (GRCh38, 1-based): chr2:190,995,139, T>C on the plus strand (A>G on the coding strand, the complement: STAT1 is on the minus strand). VCF-style: chr2-190995139-T-C. GRCh37 (hg19) VCF-style: chr2-191859865-T-C.
Other names: c.866A>G, p.Tyr289Cys (NM_001384880.1, NM_001384882.1, NM_001384886.1 and 4 more transcripts); c.872A>G, p.Tyr291Cys (NM_001384881.1, NM_001384884.1); c.767A>G, p.Tyr256Cys (NM_001384883.1); c.776A>G, p.Tyr259Cys (NM_001384890.1); c.902A>G, p.Tyr301Cys (NM_001384891.1); c.785+2717A>G (NM_001384885.1); short protein forms Y289C, Y256C, Y259C, Y291C, Y301C.
Identifiers: ClinVar variation 541825 (VCV000541825.10), dbSNP rs1553496850, ClinGen allele CA349921761.